The following is an entry in ClinVar:

ClinVar aggregate classification (germline): Uncertain significance (1 of 4 stars; one submission).

Conditions:
Joubert syndrome. Also called: CEREBELLOPARENCHYMAL DISORDER IV; JOUBERT-BOLTSHAUSER SYNDROME; Familial aplasia of the vermis. Identifiers: Orphanet 475, MedGen C5979921, MONDO:0018772.

Allele frequency attached by ClinVar (database versions not stated): gnomAD 0.00002; TOPMed 0.00002; gnomAD exomes below 0.00001.
gnomAD v4.1: 4 of 1,596,138 alleles (0.00025%); highest among the groups gnomAD compares: African/African-American, 0.0054%; no homozygotes.

Submission:

Labcorp Genetics (formerly Invitae), Labcorp
Classification: Uncertain significance for Joubert syndrome. Last evaluated: 2022-07-06. Review status: criteria provided, single submitter. Criteria: Invitae Variant Classification Sherloc (09022015). Collection method: clinical testing. Allele origin: germline.
Comment: This sequence change falls in intron 18 of the AHI1 gene. It does not directly change the encoded amino acid sequence of the AHI1 protein. It affects a nucleotide within the consensus splice site. This variant is not present in population databases (gnomAD no frequency). This variant has not been reported in the literature in individuals affected with AHI1-related conditions. Variants that disrupt the consensus splice site are a relatively common cause of aberrant splicing (PMID: 17576681, 9536098). Algorithms developed to predict the effect of sequence changes on RNA splicing suggest that this variant is not likely to affect RNA splicing. In summary, the available evidence is currently insufficient to determine the role of this variant in disease. Therefore, it has been classified as a Variant of Uncertain Significance.

Literature cited by the submitters: PubMed 17576681; PubMed 9536098.

NM_001134831.2(AHI1):c.2623+5A>G

Gene: AHI1 (Abelson helper integration site 1; minus strand). Cytogenetic location: 6q23.3.
Variant type: single nucleotide variant.
Coding change: c.2623+5A>G on transcript NM_001134831.2 (MANE Select); 5 bases into the intron after coding-DNA position 2623, A replaced by G.
Molecular consequence: intron variant.
Genome position (GRCh38, 1-based): chr6:135,428,624, T>C on the plus strand (A>G on the coding strand, the complement: AHI1 is on the minus strand). VCF-style: chr6-135428624-T-C. GRCh37 (hg19) VCF-style: chr6-135749762-T-C.
Other names: c.2623+5A>G (NM_001134830.2, NM_001350503.2, NM_017651.5 and 2 more transcripts).
Identifiers: ClinVar variation 2059638 (VCV002059638.1), dbSNP rs994180174, ClinGen allele CA148118613.